The following is an entry in ClinVar:

ClinVar aggregate classification (germline): Pathogenic/Likely pathogenic. Review status: criteria provided, multiple submitters, no conflicts (2 of 4 stars). 2 submissions from 2 submitters: Pathogenic (1); Likely pathogenic (1). Last evaluated 2024-08-12.

Submissions (2):

GeneDx
Classification: Pathogenic. Last evaluated: 2024-08-12. Review status: criteria provided, single submitter. Criteria: GeneDx Variant Classification Process June 2021. Collection method: clinical testing. Allele origin: germline. Affected: yes.
Comment: Not observed at significant frequency in large population cohorts (gnomAD); In silico analysis indicates that this missense variant does not alter protein structure/function; This variant is associated with the following publications: (PMID: 28638113, 26796526, 21531001, 29346770, 33057194, 35982159)

Center for Personalized Medicine, Children's Hospital Los Angeles
Classification: Likely pathogenic. Last evaluated: 2022-12-21. Review status: criteria provided, single submitter. Criteria: ACMG Guidelines, 2015. Collection method: clinical testing. Allele origin: de novo. Affected: yes.

NM_006218.4(PIK3CA):c.3143A>G (p.His1048Arg)

Gene: PIK3CA (phosphatidylinositol-4,5-bisphosphate 3-kinase catalytic subunit alpha; plus strand). Cytogenetic location: 3q26.32.
Variant type: single nucleotide variant.
Coding change: c.3143A>G on transcript NM_006218.4 (MANE Select); coding-DNA position 3143, A replaced by G.
Protein change: p.His1048Arg; replaces histidine 1048 with arginine.
Molecular consequence: missense variant.
Genome position (GRCh38, 1-based): chr3:179,234,300, A>G. VCF-style: chr3-179234300-A-G. GRCh37 (hg19) VCF-style: chr3-178952088-A-G.
Other names: c.3143A>G (LRG_310t1); short protein forms H1048R.
Identifiers: ClinVar variation 450316 (VCV000450316.6), dbSNP rs1553826184, ClinGen allele CA355285849.